The following is an entry in ClinVar:

ClinVar aggregate classification (germline): Conflicting classifications of pathogenicity. Review status: criteria provided, conflicting classifications (1 of 4 stars). 5 submissions from 5 submitters: Uncertain significance (3); Likely benign (1). 1 of the submissions does not count toward it. Last evaluated 2026-01-13.

Conditions:
Becker muscular dystrophy (BMD). Also called: MUSCULAR DYSTROPHY, PSEUDOHYPERTROPHIC PROGRESSIVE, BECKER TYPE; Becker Muscular Dystrophy (BMD). Identifiers: Orphanet 98895, MedGen C0917713, MONDO:0010311, OMIM 300376.
Cardiomyopathy (CMYO). Also called: Cardiomyopathies. Identifiers: Orphanet 167848, MedGen C0878544, MONDO:0004994, HP:0001638. Inheritance: Various modes of inheritance.
Duchenne muscular dystrophy (DMD). Also called: MUSCULAR DYSTROPHY, PSEUDOHYPERTROPHIC PROGRESSIVE, DUCHENNE TYPE; Duchenne Muscular Dystrophy (DMD). Identifiers: Orphanet 98896, MedGen C0013264, MONDO:0010679, OMIM 310200.
Dystrophin deficiency.
Cardiovascular phenotype. Identifiers: MedGen CN230736.

Allele frequency attached by ClinVar (database versions not stated): gnomAD exomes 0.00001; ExAC 0.00002; TOPMed 0.00003; gnomAD 0.00005.
gnomAD v4.1: 6 of 1,209,436 alleles (0.0005%); highest among the groups gnomAD compares: Non-Finnish European, 0.00067%; no homozygotes.

Submissions (5):

Labcorp Genetics (formerly Invitae), Labcorp
Classification: Likely benign for Duchenne muscular dystrophy. Last evaluated: 2026-01-13. Review status: criteria provided, single submitter. Criteria: Invitae Variant Classification Sherloc (09022015). Collection method: clinical testing. Allele origin: germline.

Women's Health and Genetics/Laboratory Corporation of America, LabCorp
Classification: Uncertain significance. Last evaluated: 2024-10-17. Review status: criteria provided, single submitter. Criteria: LabCorp Variant Classification Summary - May 2015. Collection method: clinical testing. Allele origin: germline.
Comment: Variant summary: DMD c.6799C>A (p.Leu2267Ile) results in a conservative amino acid change located in the spectrin repeat region (IPR002017) of encoded protein sequence. Four of five in-silico tools predict a benign effect of the variant on protein function. The variant allele was found at a frequency of 1.1e-05 in 183123 control chromosomes (gnomAD v2.1), including 1 hemizygote. The available data on variant occurrences in the general population are insufficient to allow any conclusion about variant significance. To our knowledge, no occurrence of c.6799C>A in individuals affected with Duchenne Muscular Dystrophy and no experimental evidence demonstrating its impact on protein function have been reported. ClinVar contains an entry for this variant (Variation ID: 451387). Based on the evidence outlined above, the variant was classified as uncertain significance.

Ambry Genetics
Classification: Uncertain significance for Cardiovascular phenotype. Last evaluated: 2021-11-22. Review status: criteria provided, single submitter. Criteria: Ambry Variant Classification Scheme 2023. Collection method: clinical testing. Allele origin: germline.
Comment: The p.L2267I variant (also known as c.6799C>A), located in coding exon 47 of the DMD gene, results from a C to A substitution at nucleotide position 6799. The leucine at codon 2267 is replaced by isoleucine, an amino acid with highly similar properties. Based on data from gnomAD, the A allele has an overall frequency of 0.0020% (4/205017) total alleles studied, with 1 hemizygote(s) observed. The highest observed frequency was 0.0032% (3/92573) of European (non-Finnish) alleles. This amino acid position is highly conserved in available vertebrate species. In addition, this alteration is predicted to be tolerated by in silico analysis. Since supporting evidence is limited at this time, the clinical significance of this alteration remains unclear.

GeneDx
Classification: Uncertain significance. Last evaluated: 2017-08-15. Review status: criteria provided, single submitter. Criteria: GeneDx Variant Classification (06012015). Collection method: clinical testing. Allele origin: germline. Affected: yes.
Comment: The L2267I variant has not been published as a pathogenic variant, nor has it been reported as a benign variant to our knowledge. The L2267I variant is not observed at a significant frequency in large population cohorts (Lek et al., 2016; 1000 Genomes Consortium et al., 2015; Exome Variant Server). This variant is a conservative amino acid substitution, which is not likely to impact secondary protein structure as these residues share similar properties. However, this substitution occurs at a position that is conserved across species, and in silico analysis is inconsistent in its predictions as to whether or not the variant is damaging to the protein structure/function.

Natera, Inc.
Classification: Uncertain significance for Becker muscular dystrophy; Cardiomyopathy; Duchenne muscular dystrophy; Dystrophin deficiency. Last evaluated: 2018-06-12. Review status: no assertion criteria provided. Collection method: clinical testing. Allele origin: germline. Not counted in ClinVar's aggregate classification.

NM_004006.3(DMD):c.6799C>A (p.Leu2267Ile)

Gene: DMD (dystrophin; minus strand). Cytogenetic location: Xp21.1.
Variant type: single nucleotide variant.
Coding change: c.6799C>A on transcript NM_004006.3 (MANE Select); coding-DNA position 6799, C replaced by A.
Protein change: p.Leu2267Ile; replaces leucine 2267 with isoleucine.
Molecular consequence: missense variant. On other transcripts: 5 prime UTR variant (5).
Genome position (GRCh38, 1-based): chrX:31,929,709, G>T on the plus strand (C>A on the coding strand, the complement: DMD is on the minus strand). VCF-style: chrX-31929709-G-T. GRCh37 (hg19) VCF-style: chrX-31947826-G-T.
Other names: c.6775C>A, p.Leu2259Ile (NM_000109.4); c.6787C>A, p.Leu2263Ile (NM_004009.3); c.6430C>A, p.Leu2144Ile (NM_004010.3); c.2776C>A, p.Leu926Ile (NM_004011.4); c.2767C>A, p.Leu923Ile (NM_004012.4); c.-582C>A (NM_004013.3, NM_004020.4, NM_004021.3 and 2 more transcripts); short protein forms L2267I, L2259I, L926I, L2144I, L2263I, L923I.
Identifiers: ClinVar variation 451387 (VCV000451387.14), dbSNP rs758654750, ClinGen allele CA10378400.